The following is an entry in ClinVar:

ClinVar aggregate classification (germline): Conflicting classifications of pathogenicity. Review status: criteria provided, conflicting classifications (1 of 4 stars). 4 submissions from 4 submitters: Uncertain significance (1); Benign (1); Likely benign (2). Last evaluated 2026-01-21.

Conditions:
Cortical dysplasia-focal epilepsy syndrome (PTHSL1). Also called: Pitt-Hopkins-like syndrome 1. Identifiers: Orphanet 163681, Orphanet 221150, MedGen C2750246, MONDO:0012400, OMIM 610042.

Allele frequency attached by ClinVar (database versions not stated): gnomAD exomes 0.00006; TOPMed 0.00009; ExAC 0.00010; gnomAD 0.00012 and 0.00014; ESP Exome Variant Server 0.00023.
gnomAD v4.1: 274 of 1,613,774 alleles (0.017%); highest among the groups gnomAD compares: Non-Finnish European, 0.022%; no homozygotes.

Submissions (4):

Labcorp Genetics (formerly Invitae), Labcorp
Classification: Likely benign for Cortical dysplasia-focal epilepsy syndrome. Last evaluated: 2026-01-21. Review status: criteria provided, single submitter. Criteria: Invitae Variant Classification Sherloc (09022015). Collection method: clinical testing. Allele origin: germline.

Blueprint Genetics
Classification: Likely benign. Last evaluated: 2024-11-18. Review status: criteria provided, single submitter. Criteria: ACMG Guidelines, 2015. Collection method: clinical testing. Allele origin: germline.

Eurofins Ntd Llc (ga)
Classification: Uncertain significance. Last evaluated: 2015-02-03. Review status: criteria provided, single submitter. Criteria: EGL Classification Definitions 2015. Collection method: clinical testing. Allele origin: germline. Observed: 2 variant alleles, 2 heterozygotes.

GeneDx
Classification: Benign. Last evaluated: 2013-12-26. Review status: criteria provided, single submitter. Criteria: GeneDx Variant Classification (06012015). Collection method: clinical testing. Allele origin: germline. Affected: yes.
Comment: This variant is considered likely benign or benign based on one or more of the following criteria: it is a conservative change, it occurs at a poorly conserved position in the protein, it is predicted to be benign by multiple in silico algorithms, and/or has population frequency not consistent with disease.

NM_014141.6(CNTNAP2):c.3741A>C (p.Pro1247=)

Gene: CNTNAP2 (contactin associated protein 2; plus strand). Cytogenetic location: 7q36.1.
Variant type: single nucleotide variant.
Coding change: c.3741A>C on transcript NM_014141.6 (MANE Select); coding-DNA position 3741, A replaced by C.
Protein change: p.Pro1247=; no amino-acid change (proline 1247 retained).
Molecular consequence: synonymous variant.
Genome position (GRCh38, 1-based): chr7:148,409,416, A>C. VCF-style: chr7-148409416-A-C. GRCh37 (hg19) VCF-style: chr7-148106508-A-C.
Other names: p.P1247P:CCA>CCC.
Identifiers: ClinVar variation 136833 (VCV000136833.16), dbSNP rs141772824, ClinGen allele CA232469.